The following is an entry in ClinVar:

ClinVar aggregate classification (germline): Conflicting classifications of pathogenicity. Review status: criteria provided, conflicting classifications (1 of 4 stars). 7 submissions from 4 submitters: Uncertain significance (1); Benign (3); Likely benign (2). 1 of the submissions does not count toward it. Last evaluated 2026-01-17.

Conditions:
PROM1-related disorder. Also called: PROM1-related condition; PROM1-related disorders.
Retinitis pigmentosa (RP). Identifiers: Orphanet 791, MedGen C0035334, MeSH D012174, MONDO:0019200, OMIM 268000. Inheritance: Autosomal dominant, autosomal recessive and X linked inheritance.
Stargardt disease 4 (STGD4). Identifiers: Orphanet 827, MedGen C1863534, MONDO:0011370, OMIM 603786.
Retinal macular dystrophy type 2 (MCDR2). Also called: Bull's eye macular dystrophy. Identifiers: Orphanet 319640, MedGen C4749334, MONDO:0011957, OMIM 608051.
Cone-rod dystrophy 12 (CORD12). Identifiers: Orphanet 1872, MedGen C2675210, MONDO:0012983, OMIM 612657.

Allele frequency attached by ClinVar (database versions not stated): gnomAD exomes 0.00156; ExAC 0.00174; gnomAD 0.00608; 1000 Genomes Project 0.00639; TOPMed 0.00661; 1000 Genomes Project 30x 0.00671; ESP Exome Variant Server 0.00671.
gnomAD v4.1: 1,739 of 1,613,982 alleles (0.11%); highest among the groups gnomAD compares: African/African-American, 2.1%; 17 homozygotes.

Submissions (7):

Labcorp Genetics (formerly Invitae), Labcorp
Classification: Benign. Last evaluated: 2026-01-17. Review status: criteria provided, single submitter. Criteria: Invitae Variant Classification Sherloc (09022015). Collection method: clinical testing. Allele origin: germline.

Blueprint Genetics
Classification: Likely benign. Last evaluated: 2024-11-13. Review status: criteria provided, single submitter. Criteria: ACMG Guidelines, 2015. Collection method: clinical testing. Allele origin: germline.

Illumina Laboratory Services, Illumina
Classification: Uncertain significance for Retinitis pigmentosa. Last evaluated: 2018-01-13. Review status: criteria provided, single submitter. Criteria: ICSL Variant Classification Criteria 13 December 2019. Collection method: clinical testing. Allele origin: germline.

Illumina Laboratory Services, Illumina
Classification: Likely benign for Retinal macular dystrophy type 2. Last evaluated: 2018-01-13. Review status: criteria provided, single submitter. Criteria: ICSL Variant Classification Criteria 13 December 2019. Collection method: clinical testing. Allele origin: germline.
Comment: This variant was observed in the ICSL laboratory as part of a predisposition screen in an ostensibly healthy population. It had not been previously curated by ICSL or reported in the Human Gene Mutation Database (HGMD: prior to June 1st, 2018), and was therefore a candidate for classification through an automated scoring system. Utilizing variant allele frequency, disease prevalence and penetrance estimates, and inheritance mode, an automated score was calculated to assess if this variant is too frequent to cause the disease. Based on the score and internal cut-off values, a variant classified as likely benign is not then subjected to further curation. The score for this variant resulted in a classification of likely benign for this disease.

Illumina Laboratory Services, Illumina
Classification: Benign for Stargardt disease 4. Last evaluated: 2018-01-13. Review status: criteria provided, single submitter. Criteria: ICSL Variant Classification Criteria 13 December 2019. Collection method: clinical testing. Allele origin: germline.
Comment: This variant was observed in the ICSL laboratory as part of a predisposition screen in an ostensibly healthy population. It had not been previously curated by ICSL or reported in the Human Gene Mutation Database (HGMD: prior to June 1st, 2018), and was therefore a candidate for classification through an automated scoring system. Utilizing variant allele frequency, disease prevalence and penetrance estimates, and inheritance mode, an automated score was calculated to assess if this variant is too frequent to cause the disease. Based on the score and internal cut-off values, a variant classified as benign is not then subjected to further curation. The score for this variant resulted in a classification of benign for this disease.

Illumina Laboratory Services, Illumina
Classification: Benign for Cone-rod dystrophy 12. Last evaluated: 2018-01-13. Review status: criteria provided, single submitter. Criteria: ICSL Variant Classification Criteria 13 December 2019. Collection method: clinical testing. Allele origin: germline.
Comment: the same text as in the submission from Illumina Laboratory Services, Illumina above.

PreventionGenetics, part of Exact Sciences
Classification: Benign for PROM1-related condition. Last evaluated: 2019-07-26. Review status: no assertion criteria provided. Collection method: clinical testing. Allele origin: germline. Not counted in ClinVar's aggregate classification.
Comment: This variant is classified as benign based on ACMG/AMP sequence variant interpretation guidelines (Richards et al. 2015 PMID: 25741868, with internal and published modifications).

NM_006017.3(PROM1):c.1751A>G (p.His584Arg)

Gene: PROM1 (prominin 1; minus strand). Cytogenetic location: 4p15.32.
Variant type: single nucleotide variant.
Coding change: c.1751A>G on transcript NM_006017.3 (MANE Select); coding-DNA position 1751, A replaced by G.
Protein change: p.His584Arg; replaces histidine 584 with arginine.
Molecular consequence: missense variant.
Genome position (GRCh38, 1-based): chr4:15,994,003, T>C on the plus strand (A>G on the coding strand, the complement: PROM1 is on the minus strand). VCF-style: chr4-15994003-T-C. GRCh37 (hg19) VCF-style: chr4-15995626-T-C.
Other names: c.1724A>G, p.His575Arg (NM_001145847.2, NM_001145848.2, NM_001145851.2 and 4 more transcripts); c.1751A>G, p.His584Arg (NM_001145849.2, NM_001145850.2); short protein forms H584R, H575R.
Identifiers: ClinVar variation 787025 (VCV000787025.17), dbSNP rs140027620, ClinGen allele CA2866653.
Genomic context (GRCh38, chr4:15,994,003, plus strand): 5'-GTGAAGGAATGTGTTATGTCGATTCCATGACGAGTTCTAATTACCTCATTAATGTTGAGA[T>C]GTTCACTGATATTGAAGCTGTTCTGCAGGTGAAGAGTGCCGTAAGTGCCTCTATTTTTTT-3'
Protein context (NP_006008.1, residues 574-594): HLQNSFNISE[His584Arg]LNINEHTGSI